The following is an entry in ClinVar:

ClinVar aggregate classification (germline): Uncertain significance (1 of 4 stars; one submission).

Conditions:
Emery-Dreifuss muscular dystrophy 5, autosomal dominant (EDMD5). Also called: EMERY-DREIFUSS MUSCULAR DYSTROPHY 5. Identifiers: Orphanet 261, MedGen C2751805, MONDO:0013072, OMIM 612999.

Allele frequency attached by ClinVar (database versions not stated): gnomAD exomes below 0.00001; TOPMed below 0.00001.

Submission:

Labcorp Genetics (formerly Invitae), Labcorp
Classification: Uncertain significance for Emery-Dreifuss muscular dystrophy 5, autosomal dominant. Last evaluated: 2022-03-01. Review status: criteria provided, single submitter. Criteria: Invitae Variant Classification Sherloc (09022015). Collection method: clinical testing. Allele origin: germline.
Comment: In summary, the available evidence is currently insufficient to determine the role of this variant in disease. Therefore, it has been classified as a Variant of Uncertain Significance. Algorithms developed to predict the effect of missense changes on protein structure and function are either unavailable or do not agree on the potential impact of this missense change (SIFT: "Tolerated"; PolyPhen-2: "Possibly Damaging"; Align-GVGD: "Class C0"). This variant has not been reported in the literature in individuals affected with SYNE2-related conditions. This variant is present in population databases (no rsID available, gnomAD 0.006%). This sequence change replaces threonine, which is neutral and polar, with serine, which is neutral and polar, at codon 3984 of the SYNE2 protein (p.Thr3984Ser).

NM_182914.3(SYNE2):c.11950A>T (p.Thr3984Ser)

Gene: SYNE2 (spectrin repeat containing nuclear envelope protein 2; plus strand). Cytogenetic location: 14q23.2.
Variant type: single nucleotide variant.
Coding change: c.11950A>T on transcript NM_182914.3 (MANE Select); coding-DNA position 11950, A replaced by T.
Protein change: p.Thr3984Ser; replaces threonine 3984 with serine.
Molecular consequence: missense variant.
Genome position (GRCh38, 1-based): chr14:64,091,022, A>T. VCF-style: chr14-64091022-A-T. GRCh37 (hg19) VCF-style: chr14-64557740-A-T.
Other names: c.11950A>T, p.Thr3984Ser (NM_015180.6); short protein forms T3984S.
Identifiers: ClinVar variation 2193897 (VCV002193897.4), dbSNP rs1292620657, ClinGen allele CA389949373.